The following is an entry in ClinVar:

ClinVar aggregate classification (germline): Benign/Likely benign. Review status: criteria provided, multiple submitters, no conflicts (2 of 4 stars). 5 submissions from 5 submitters: Benign (1); Likely benign (3). 1 of the submissions does not count toward it. Last evaluated 2025-10-26.

Conditions:
KIF7-related disorder. Also called: KIF7-related condition.
Acrocallosal syndrome (ACLS). Also called: HALLUX DUPLICATION, POSTAXIAL POLYDACTYLY, AND ABSENCE OF CORPUS CALLOSUM; Schinzel syndrome 1; Absence of corpus callosum with unusual facial appearance, mental deficiency, duplication of the halluces and polydactyly. Identifiers: Orphanet 36, MedGen C0796147, MONDO:0008708, OMIM 200990.
Inborn genetic diseases. Identifiers: MedGen C0950123, MeSH D030342.

Allele frequency attached by ClinVar (database versions not stated): TOPMed 0.00001; 1000 Genomes Project 30x 0.00016; 1000 Genomes Project 0.00020; gnomAD exomes 0.00031 and 0.00058; ExAC 0.00060.
gnomAD v4.1: 463 of 1,604,884 alleles (0.029%); highest among the groups gnomAD compares: South Asian, 0.49%; 6 homozygotes.

Submissions (5):

Labcorp Genetics (formerly Invitae), Labcorp
Classification: Likely benign for Acrocallosal syndrome. Last evaluated: 2025-10-26. Review status: criteria provided, single submitter. Criteria: Invitae Variant Classification Sherloc (09022015). Collection method: clinical testing. Allele origin: germline.

Blueprint Genetics
Classification: Benign. Last evaluated: 2024-10-31. Review status: criteria provided, single submitter. Criteria: ACMG Guidelines, 2015. Collection method: clinical testing. Allele origin: germline.

Ambry Genetics
Classification: Likely benign for Inborn genetic diseases. Last evaluated: 2022-03-29. Review status: criteria provided, single submitter. Criteria: Ambry Variant Classification Scheme 2023. Collection method: clinical testing. Allele origin: germline.

Illumina Laboratory Services, Illumina
Classification: Likely benign for Acrocallosal syndrome. Last evaluated: 2018-01-13. Review status: criteria provided, single submitter. Criteria: ICSL Variant Classification Criteria 13 December 2019. Collection method: clinical testing. Allele origin: germline.
Comment: This variant was observed in the ICSL laboratory as part of a predisposition screen in an ostensibly healthy population. It had not been previously curated by ICSL or reported in the Human Gene Mutation Database (HGMD: prior to June 1st, 2018), and was therefore a candidate for classification through an automated scoring system. Utilizing variant allele frequency, disease prevalence and penetrance estimates, and inheritance mode, an automated score was calculated to assess if this variant is too frequent to cause the disease. Based on the score and internal cut-off values, a variant classified as likely benign is not then subjected to further curation. The score for this variant resulted in a classification of likely benign for this disease.

PreventionGenetics, part of Exact Sciences
Classification: Benign for KIF7-related condition. Last evaluated: 2024-01-11. Review status: no assertion criteria provided. Collection method: clinical testing. Allele origin: germline. Not counted in ClinVar's aggregate classification.
Comment: This variant is classified as benign based on ACMG/AMP sequence variant interpretation guidelines (Richards et al. 2015 PMID: 25741868, with internal and published modifications).

NM_198525.3(KIF7):c.2077G>T (p.Val693Phe)

Gene: KIF7 (kinesin family member 7; minus strand). Cytogenetic location: 15q26.1.
Variant type: single nucleotide variant.
Coding change: c.2077G>T on transcript NM_198525.3 (MANE Select); coding-DNA position 2077, G replaced by T.
Protein change: p.Val693Phe; replaces valine 693 with phenylalanine.
Molecular consequence: missense variant.
Genome position (GRCh38, 1-based): chr15:89,645,127, C>A on the plus strand (G>T on the coding strand, the complement: KIF7 is on the minus strand). VCF-style: chr15-89645127-C-A. GRCh37 (hg19) VCF-style: chr15-90188358-C-A.
Other names: short protein forms V693F.
Identifiers: ClinVar variation 317363 (VCV000317363.17), dbSNP rs550326630, ClinGen allele CA7728337.